The following is an entry in ClinVar:

ClinVar aggregate classification (germline): Uncertain significance. Review status: criteria provided, multiple submitters, no conflicts (2 of 4 stars). 2 submissions from 2 submitters: Uncertain significance (2). Last evaluated 2025-08-11.

Conditions:
Inborn genetic diseases. Identifiers: MedGen C0950123, MeSH D030342.

Allele frequency attached by ClinVar (database versions not stated): gnomAD exomes 0.00001 and 0.00002; ExAC 0.00003; gnomAD 0.00004 and 0.00008; TOPMed 0.00006; ESP Exome Variant Server 0.00008; 1000 Genomes Project 30x 0.00016; 1000 Genomes Project 0.00020.
gnomAD v4.1: 33 of 1,581,494 alleles (0.0021%); highest among the groups gnomAD compares: African/African-American, 0.015%; no homozygotes.

Submissions (2):

Ambry Genetics
Classification: Uncertain significance for Inborn genetic diseases. Last evaluated: 2025-08-11. Review status: criteria provided, single submitter. Criteria: Ambry Variant Classification Scheme 2023. Collection method: clinical testing. Allele origin: germline.

Labcorp Genetics (formerly Invitae), Labcorp
Classification: Uncertain significance. Last evaluated: 2023-12-06. Review status: criteria provided, single submitter. Criteria: Invitae Variant Classification Sherloc (09022015). Collection method: clinical testing. Allele origin: germline.
Comment: This sequence change replaces alanine, which is neutral and non-polar, with threonine, which is neutral and polar, at codon 1200 of the TONSL protein (p.Ala1200Thr). This variant is present in population databases (rs369586558, gnomAD 0.007%). This variant has not been reported in the literature in individuals affected with TONSL-related conditions. ClinVar contains an entry for this variant (Variation ID: 1516123). Advanced modeling of protein sequence and biophysical properties (such as structural, functional, and spatial information, amino acid conservation, physicochemical variation, residue mobility, and thermodynamic stability) performed at Invitae indicates that this missense variant is not expected to disrupt TONSL protein function with a negative predictive value of 80%. In summary, the available evidence is currently insufficient to determine the role of this variant in disease. Therefore, it has been classified as a Variant of Uncertain Significance.

NM_013432.5(TONSL):c.3598G>A (p.Ala1200Thr)

Gene: TONSL (tonsoku like, DNA repair protein; minus strand). Cytogenetic location: 8q24.3.
Variant type: single nucleotide variant.
Coding change: c.3598G>A on transcript NM_013432.5 (MANE Select); coding-DNA position 3598, G replaced by A.
Protein change: p.Ala1200Thr; replaces alanine 1200 with threonine.
Molecular consequence: missense variant.
Genome position (GRCh38, 1-based): chr8:144,432,422, C>T on the plus strand (G>A on the coding strand, the complement: TONSL is on the minus strand). VCF-style: chr8-144432422-C-T. GRCh37 (hg19) VCF-style: chr8-145657805-C-T.
Other names: c.3598G>A (NM_013432.4); short protein forms A1200T.
Identifiers: ClinVar variation 1516123 (VCV001516123.7), dbSNP rs369586558, ClinGen allele CA4942439.
Genomic context (GRCh38, chr8:144,432,422, plus strand): 5'-GCAGGAGGGTGCCGGCGGGCAGGCTCTGCAGGGTCCTGGCCAGGGCAGGGGCTCCCAGGG[C>T]GTTGTAGGACAGGGACAGGGTCTTCAGGTGCTCAGCATCTGCACCGGGGCCAGAATCCGT-3'
Protein context (NP_038460.4, residues 1190-1210): HLKTLSLSYN[Ala1200Thr]LGAPALARTL